The following is an entry in ClinVar:

NM_001148.6(ANK2):c.5231C>T (p.Ala1744Val)

Genes: ANK2 (ankyrin 2; plus strand), LOC126807136 (MED14-independent group 3 enhancer GRCh37_chr4:114274931-114276130; plus strand). Cytogenetic location: 4q26.
Variant type: single nucleotide variant.
Coding change: c.5231C>T on transcript NM_001148.6 (MANE Select); coding-DNA position 5231, C replaced by T.
Protein change: p.Ala1744Val; replaces alanine 1744 with valine.
Molecular consequence: missense variant. On other transcripts: intron variant (68).
Genome position (GRCh38, 1-based): chr4:113,353,849, C>T. VCF-style: chr4-113353849-C-T. GRCh37 (hg19) VCF-style: chr4-114275005-C-T.
Other names: c.4997C>T, p.Ala1666Val (NM_001386142.1); c.1631C>T, p.Ala544Val (NM_001386166.1); c.5372C>T, p.Ala1791Val (NM_001386174.1); c.5348C>T, p.Ala1783Val (NM_001386175.1); c.4411+3600C>T (NM_001386186.2, NM_001386148.2); c.4213+3600C>T (NM_001354269.3); c.4291+3600C>T (NM_001386187.2); c.4252+3600C>T (NM_001386147.1); and 35 more; short protein forms A1744V, A1783V, A1791V, A1666V, A544V.
Identifiers: ClinVar variation 3703607 (VCV003703607.2).
Genomic context (GRCh38, chr4:113,353,849, plus strand): 5'-AGAAAGCTGAACTTAAAAAAGGTAGTTCAGAAGAGTCATTAGGTGAAGACCCAGGTTTAG[C>T]CCCTGAACCCCTTCCCACTGTCAAGGCCACATCTCCTTTGATAGAAGAAACTCCCATTGG-3'
Protein context (NP_001139.3, residues 1734-1754): EESLGEDPGL[Ala1744Val]PEPLPTVKAT

ClinVar aggregate classification (germline): Uncertain significance (1 of 4 stars; one submission).

Conditions:
Long QT syndrome (LQTS). Identifiers: MedGen C0023976, MeSH D008133, MONDO:0002442. Disease mechanism: loss of function. Inheritance: Various modes of inheritance.

gnomAD v4.1: 28 of 1,613,782 alleles (0.0017%); highest among the groups gnomAD compares: East Asian, 0.016%; no homozygotes.

Submission:

Labcorp Genetics (formerly Invitae), Labcorp
Classification: Uncertain significance for Long QT syndrome. Last evaluated: 2025-09-14. Review status: criteria provided, single submitter. Criteria: Invitae Variant Classification Sherloc (09022015). Collection method: clinical testing. Allele origin: germline.
Comment: This sequence change replaces alanine, which is neutral and non-polar, with valine, which is neutral and non-polar, at codon 1744 of the ANK2 protein (p.Ala1744Val). This variant is present in population databases (rs147706514, gnomAD 0.03%). This variant has not been reported in the literature in individuals affected with ANK2-related conditions. ClinVar contains an entry for this variant (Variation ID: 3703607). An algorithm developed to predict the effect of missense changes on protein structure and function outputs the following: PolyPhen-2: "Benign". The valine amino acid residue is found in multiple mammalian species, which suggests that this missense change does not adversely affect protein function. In summary, the available evidence is currently insufficient to determine the role of this variant in disease. Therefore, it has been classified as a Variant of Uncertain Significance.